The following is an entry in ClinVar:

NM_019059.5(TOMM7):c.153-2A>G

Gene: TOMM7 (translocase of outer mitochondrial membrane 7; minus strand). Cytogenetic location: 7p15.3.
Variant type: single nucleotide variant.
Coding change: c.153-2A>G on transcript NM_019059.5 (MANE Select); the canonical splice acceptor site of the intron before coding-DNA position 153, A replaced by G.
Molecular consequence: splice acceptor variant.
Genome position (GRCh38, 1-based): chr7:22,813,187, T>C on the plus strand (A>G on the coding strand, the complement: TOMM7 is on the minus strand). VCF-style: chr7-22813187-T-C. GRCh37 (hg19) VCF-style: chr7-22852806-T-C.
Identifiers: ClinVar variation 3391438 (VCV003391438.2).

ClinVar aggregate classification (germline): Uncertain significance (1 of 4 stars; one submission).

Conditions:
TOMM7-related early onset Leigh disease.

Submission:

Kasturba Medical College, Manipal, Kasturba Medical College, Manipal, Manipal Academy of Higher Education, Manipal, India
Classification: Uncertain significance for TOMM7-related early onset Leigh disease. Review status: criteria provided, single submitter. Criteria: ACMG Guidelines, 2015. Collection method: research. Allele origin: germline. Inheritance: Autosomal recessive inheritance. Affected: yes. Observed: 1 homozygote.
Comment: This variant is not present in the gnomAD (v4.1.0) population database and our in-house database of 3343 exomes. Biallelic disease-causing variants in TOMM7 are known to cause Garg-Mishra progeroid syndrome (MIM# 620601). To date, two individuals from two unrelated families have been reported with short stature, lipodystrophy, progeria, developmental delay, hypotonia, and skeletal dysplasia (Garg et.al. 2022; Young et al. 2023). Notably, the clinical features observed in proband are of severe and early-onset, with neurologic and metabolic features suggestive of mitochondrial dysfunction and neuro imaging findings indicative of Leigh disease (Yeole et al. 2024). Thus, the above-mentioned variant in the homozygous state is interpreted to be the likely cause for the early-onset mitochondrial dysfunction observed in proband.

Literature cited by the submitters: PubMed 36282599; PubMed 36299998; PubMed 39333057.